The following is an entry in ClinVar:

ClinVar aggregate classification (germline): Uncertain significance (1 of 4 stars; one submission).

Conditions:
Inborn genetic diseases. Identifiers: MedGen C0950123, MeSH D030342.

gnomAD v4.1: 1 of 1,612,996 alleles (0.000062%); highest among the groups gnomAD compares: Non-Finnish European, 0.000085%; no homozygotes.

Submission:

Ambry Genetics
Classification: Uncertain significance for Inborn genetic diseases. Last evaluated: 2025-01-18. Review status: criteria provided, single submitter. Criteria: Ambry Variant Classification Scheme 2023. Collection method: clinical testing. Allele origin: germline.
Comment: The p.P850S variant (also known as c.2548C>T), located in coding exon 9 of the MECOM gene, results from a C to T substitution at nucleotide position 2548. The proline at codon 850 is replaced by serine, an amino acid with similar properties. This amino acid position is conserved. In addition, the in silico prediction for this alteration is inconclusive. Based on the available evidence, the clinical significance of this variant remains unclear.

NM_004991.4(MECOM):c.2548C>T (p.Pro850Ser)

Gene: MECOM (MDS1 and EVI1 complex locus; minus strand). Cytogenetic location: 3q26.2.
Variant type: single nucleotide variant.
Coding change: c.2548C>T on transcript NM_004991.4 (MANE Select); coding-DNA position 2548, C replaced by T.
Protein change: p.Pro850Ser; replaces proline 850 with serine.
Molecular consequence: missense variant.
Genome position (GRCh38, 1-based): chr3:169,112,816, G>A on the plus strand (C>T on the coding strand, the complement: MECOM is on the minus strand). VCF-style: chr3-169112816-G-A. GRCh37 (hg19) VCF-style: chr3-168830604-G-A.
Other names: c.2179C>T, p.Pro727Ser (NM_001105077.4); c.1984C>T, p.Pro662Ser (NM_001105078.4, NM_001164000.2, NM_001205194.2 and 4 more transcripts); c.1987C>T, p.Pro663Ser (NM_001163999.2, NM_001366467.2, NM_001366468.2 and 1 more transcripts); c.2548C>T, p.Pro850Ser (NM_001366466.2); c.1576C>T, p.Pro526Ser (NM_001366473.2); c.1012C>T, p.Pro338Ser (NM_001366474.2); short protein forms P338S, P663S, P526S, P727S, P850S, P662S.
Identifiers: ClinVar variation 3871728 (VCV003871728.1).
Genomic context (GRCh38, chr3:169,112,816, plus strand): 5'-AAGCTGGAAATCTCAAATCCAAAATACTTACTTGTGGGTGAAACAAGAATCCTGGAGAAG[G>A]CCTCAAGTATTTCTCTTTTAAAGCTTCAAGTGGGTCAGTTAGTTTTCTTTTCTCTACTCT-3'
Protein context (NP_004982.2, residues 840-860): LEALKEKYLR[Pro850Ser]SPGFLFHPQF